The following is an entry in ClinVar:

NM_001017995.3(SH3PXD2B):c.1685C>T (p.Pro562Leu)

Gene: SH3PXD2B (SH3 and PX domains 2B; minus strand). Cytogenetic location: 5q35.1.
Variant type: single nucleotide variant.
Coding change: c.1685C>T on transcript NM_001017995.3 (MANE Select); coding-DNA position 1685, C replaced by T.
Protein change: p.Pro562Leu; replaces proline 562 with leucine.
Molecular consequence: missense variant. On other transcripts: intron variant (1).
Genome position (GRCh38, 1-based): chr5:172,339,420, G>A on the plus strand (C>T on the coding strand, the complement: SH3PXD2B is on the minus strand). VCF-style: chr5-172339420-G-A. GRCh37 (hg19) VCF-style: chr5-171766424-G-A.
Other names: c.1188+6716C>T (NM_001308175.2); short protein forms P562L.
Identifiers: ClinVar variation 3670848 (VCV003670848.2).

ClinVar aggregate classification (germline): Uncertain significance (1 of 4 stars; one submission).

gnomAD v4.1: 71 of 1,614,012 alleles (0.0044%); highest among the groups gnomAD compares: Non-Finnish European, 0.0057%; no homozygotes.

Submission:

Labcorp Genetics (formerly Invitae), Labcorp
Classification: Uncertain significance. Last evaluated: 2024-11-23. Review status: criteria provided, single submitter. Criteria: Invitae Variant Classification Sherloc (09022015). Collection method: clinical testing. Allele origin: germline.
Comment: This sequence change replaces proline, which is neutral and non-polar, with leucine, which is neutral and non-polar, at codon 562 of the SH3PXD2B protein (p.Pro562Leu). This variant is present in population databases (rs147475342, gnomAD 0.006%). This variant has not been reported in the literature in individuals affected with SH3PXD2B-related conditions. An algorithm developed to predict the effect of missense changes on protein structure and function (PolyPhen-2) suggests that this variant is likely to be disruptive. In summary, the available evidence is currently insufficient to determine the role of this variant in disease. Therefore, it has been classified as a Variant of Uncertain Significance.